The following is an entry in ClinVar:

ClinVar aggregate classification (germline): Uncertain significance (1 of 4 stars; one submission).

Conditions:
Biotin-responsive basal ganglia disease (BTBGD). Also called: Thiamine metabolism dysfunction syndrome type 2; Thiamine Transporter-2 Deficiency; THIAMINE METABOLISM DYSFUNCTION SYNDROME 2 (BIOTIN- AND THIAMINE-RESPONSIVE TYPE); Thiamine metabolism dysfunction syndrome 2 (biotin- or thiamine-responsive encephalopathy type 2); thiamine-responsive encephalopathy. Identifiers: Orphanet 199348, Orphanet 65284, MedGen C1843807, MONDO:0011841, OMIM 607483.

gnomAD v4.1: 6 of 1,614,160 alleles (0.00037%); highest among the groups gnomAD compares: Non-Finnish European, 0.00051%; no homozygotes.

Submission:

Labcorp Genetics (formerly Invitae), Labcorp
Classification: Uncertain significance for Biotin-responsive basal ganglia disease. Last evaluated: 2022-01-14. Review status: criteria provided, single submitter. Criteria: Invitae Variant Classification Sherloc (09022015). Collection method: clinical testing. Allele origin: germline.
Comment: Advanced modeling of protein sequence and biophysical properties (such as structural, functional, and spatial information, amino acid conservation, physicochemical variation, residue mobility, and thermodynamic stability) performed at Invitae indicates that this missense variant is not expected to disrupt SLC19A3 protein function. This variant has not been reported in the literature in individuals affected with SLC19A3-related conditions. This variant is not present in population databases (gnomAD no frequency). This sequence change replaces phenylalanine, which is neutral and non-polar, with leucine, which is neutral and non-polar, at codon 186 of the SLC19A3 protein (p.Phe186Leu). In summary, the available evidence is currently insufficient to determine the role of this variant in disease. Therefore, it has been classified as a Variant of Uncertain Significance.

NM_025243.4(SLC19A3):c.558C>G (p.Phe186Leu)

Gene: SLC19A3 (solute carrier family 19 member 3; minus strand). Cytogenetic location: 2q36.3.
Variant type: single nucleotide variant.
Coding change: c.558C>G on transcript NM_025243.4 (MANE Select); coding-DNA position 558, C replaced by G.
Protein change: p.Phe186Leu; replaces phenylalanine 186 with leucine.
Molecular consequence: missense variant.
Genome position (GRCh38, 1-based): chr2:227,699,157, G>C on the plus strand (C>G on the coding strand, the complement: SLC19A3 is on the minus strand). VCF-style: chr2-227699157-G-C. GRCh37 (hg19) VCF-style: chr2-228563873-G-C.
Other names: c.558C>G, p.Phe186Leu (NM_001371411.1, NM_001371412.1); c.546C>G, p.Phe182Leu (NM_001371413.1, NM_001371414.1); short protein forms F182L, F186L.
Identifiers: ClinVar variation 1432913 (VCV001432913.8), dbSNP rs2106329006, ClinGen allele CA350876976.